The following is an entry in ClinVar:

NM_052989.3(IFT122):c.2792-12T>A

Gene: IFT122 (intraflagellar transport 122; plus strand). Cytogenetic location: 3q22.1.
Variant type: single nucleotide variant.
Coding change: c.2792-12T>A on transcript NM_052989.3 (MANE Select); 12 bases into the intron before coding-DNA position 2792, T replaced by A.
Molecular consequence: intron variant.
Genome position (GRCh38, 1-based): chr3:129,507,656, T>A. VCF-style: chr3-129507656-T-A. GRCh37 (hg19) VCF-style: chr3-129226499-T-A.
Other names: c.2342-12T>A (NM_001280545.2); c.2945-12T>A (NM_052985.4); c.2768-9T>A (NM_001280541.2); c.2615-12T>A (NM_018262.4); c.2165-12T>A (NM_001280546.2); c.2459-9T>A (NM_052990.3).
Identifiers: ClinVar variation 2040003 (VCV002040003.4), dbSNP rs2532550878, ClinGen allele CA2580068730.
Genomic context (GRCh38, chr3:129,507,656, plus strand): 5'-TCCTCCTGGGGCCAGTTGGCAGCCACAGACACTGTTTGACACGTTTCCCCTCCCACCCGC[T>A]GCACACAGCAGATCCTGCCCAGAAGGACACAATGCTTGGCAAGTTCTACCACTTCCAGCG-3'

ClinVar aggregate classification (germline): Uncertain significance (1 of 4 stars; one submission).

Conditions:
Cranioectodermal dysplasia 1 (CED1). Also called: LEVIN SYNDROME I. Identifiers: Orphanet 1515, MedGen C0432235, MONDO:0021093, OMIM 218330.

Allele frequency attached by ClinVar (database versions not stated): gnomAD exomes below 0.00001.
gnomAD v4.1: 1 of 1,612,654 alleles (0.000062%); highest among the groups gnomAD compares: Non-Finnish European, 0.000085%; no homozygotes.

Submission:

Labcorp Genetics (formerly Invitae), Labcorp
Classification: Uncertain significance for Cranioectodermal dysplasia 1. Last evaluated: 2024-10-22. Review status: criteria provided, single submitter. Criteria: Invitae Variant Classification Sherloc (09022015). Collection method: clinical testing. Allele origin: germline.
Comment: This sequence change falls in intron 23 of the IFT122 gene. It does not directly change the encoded amino acid sequence of the IFT122 protein. This variant is not present in population databases (gnomAD no frequency). This variant has not been reported in the literature in individuals affected with IFT122-related conditions. ClinVar contains an entry for this variant (Variation ID: 2040003). Algorithms developed to predict the effect of sequence changes on RNA splicing suggest that this variant may disrupt the consensus splice site. In summary, the available evidence is currently insufficient to determine the role of this variant in disease. Therefore, it has been classified as a Variant of Uncertain Significance.